The following is an entry in ClinVar:

ClinVar aggregate classification (germline): Uncertain significance (1 of 4 stars; one submission).

Conditions:
Cardiovascular phenotype. Identifiers: MedGen CN230736.

Submission:

Ambry Genetics
Classification: Uncertain significance for Cardiovascular phenotype. Last evaluated: 2019-11-11. Review status: criteria provided, single submitter. Criteria: Ambry Variant Classification Scheme 2023. Collection method: clinical testing. Allele origin: germline.
Comment: The p.P460A variant (also known as c.1378C>G), located in coding exon 4 of the KCND3 gene, results from a C to G substitution at nucleotide position 1378. The proline at codon 460 is replaced by alanine, an amino acid with highly similar properties. This amino acid position is well conserved in available vertebrate species. In addition, this alteration is predicted to be tolerated by in silico analysis. Since supporting evidence is limited at this time, the clinical significance of this alteration remains unclear.

NM_001378969.1(KCND3):c.1378C>G (p.Pro460Ala)

Gene: KCND3 (potassium voltage-gated channel subfamily D member 3; minus strand). Cytogenetic location: 1p13.2.
Variant type: single nucleotide variant.
Coding change: c.1378C>G on transcript NM_001378969.1 (MANE Select); coding-DNA position 1378, C replaced by G.
Protein change: p.Pro460Ala; replaces proline 460 with alanine.
Molecular consequence: missense variant.
Genome position (GRCh38, 1-based): chr1:111,780,308, G>C on the plus strand (C>G on the coding strand, the complement: KCND3 is on the minus strand). VCF-style: chr1-111780308-G-C. GRCh37 (hg19) VCF-style: chr1-112322930-G-C.
Other names: c.1378C>G, p.Pro460Ala (NM_001378970.1, NM_004980.5, NM_172198.3); short protein forms P460A.
Identifiers: ClinVar variation 1771213 (VCV001771213.2), dbSNP rs2525013452, ClinGen allele CA341658823.